The following is an entry in ClinVar:

NM_004990.4(MARS1):c.1379G>A (p.Arg460Gln)

Gene: MARS1 (methionyl-tRNA synthetase 1; plus strand). Cytogenetic location: 12q13.3.
Variant type: single nucleotide variant.
Coding change: c.1379G>A on transcript NM_004990.4 (MANE Select); coding-DNA position 1379, G replaced by A.
Protein change: p.Arg460Gln; replaces arginine 460 with glutamine.
Molecular consequence: missense variant.
Genome position (GRCh38, 1-based): chr12:57,511,708, G>A. VCF-style: chr12-57511708-G-A. GRCh37 (hg19) VCF-style: chr12-57905491-G-A.
Other names: c.1379G>A (NM_004990.3); short protein forms R460Q.
Identifiers: ClinVar variation 1681733 (VCV001681733.9), dbSNP rs750231101, ClinGen allele CA6650510.

ClinVar aggregate classification (germline): Uncertain significance. Review status: criteria provided, multiple submitters, no conflicts (2 of 4 stars). 2 submissions from 2 submitters: Uncertain significance (2). Last evaluated 2025-03-26.

Conditions:
Charcot-Marie-Tooth disease axonal type 2U. Also called: CHARCOT-MARIE-TOOTH NEUROPATHY, TYPE 2U; CHARCOT-MARIE-TOOTH DISEASE, AXONAL, AUTOSOMAL DOMINANT, TYPE 2U. Identifiers: Orphanet 397735, MedGen C4084821, MONDO:0014566, OMIM 616280.
Severe early-onset pulmonary alveolar proteinosis due to MARS deficiency. Also called: Interstitial lung and liver disease; PULMONARY ALVEOLAR PROTEINOSIS, REUNION ISLAND. Identifiers: Orphanet 440427, MedGen C4225400, MONDO:0014206, OMIM 615486.
MARS1-related disorder. Also called: MARS1-related condition.

Allele frequency attached by ClinVar (database versions not stated): gnomAD exomes below 0.00001 and 0.00001; ExAC 0.00001; gnomAD 0.00001.
gnomAD v4.1: 7 of 1,614,158 alleles (0.00043%); highest among the groups gnomAD compares: African/African-American, 0.0027%; no homozygotes.

Submissions (2):

PreventionGenetics, part of Exact Sciences
Classification: Uncertain significance for MARS1-related condition. Last evaluated: 2025-03-26. Review status: criteria provided, single submitter. Criteria: ACMG Guidelines, 2015. Collection method: clinical testing. Allele origin: germline.
Comment: The MARS1 c.1379G>A variant is predicted to result in the amino acid substitution p.Arg460Gln. To our knowledge, this variant has not been reported in the literature. This variant is reported in 0.0062% of alleles in individuals of African descent in gnomAD. At this time, the clinical significance of this variant is uncertain due to the absence of conclusive functional and genetic evidence.

Labcorp Genetics (formerly Invitae), Labcorp
Classification: Uncertain significance for Charcot-Marie-Tooth disease axonal type 2U; Severe early-onset pulmonary alveolar proteinosis due to MARS deficiency. Last evaluated: 2023-05-20. Review status: criteria provided, single submitter. Criteria: Invitae Variant Classification Sherloc (09022015). Collection method: clinical testing. Allele origin: germline.
Comment: This sequence change replaces arginine, which is basic and polar, with glutamine, which is neutral and polar, at codon 460 of the MARS protein (p.Arg460Gln). This variant is present in population databases (rs750231101, gnomAD 0.007%). This variant has not been reported in the literature in individuals affected with MARS-related conditions. ClinVar contains an entry for this variant (Variation ID: 1681733). An algorithm developed to predict the effect of missense changes on protein structure and function (PolyPhen-2) suggests that this variant is likely to be tolerated. In summary, the available evidence is currently insufficient to determine the role of this variant in disease. Therefore, it has been classified as a Variant of Uncertain Significance.